The following is an entry in ClinVar:

NM_001458.5(FLNC):c.7177C>G (p.Pro2393Ala)

Genes: FLNC (filamin C; plus strand), FLNC-AS1 (FLNC antisense RNA 1; minus strand). Cytogenetic location: 7q32.1.
Variant type: single nucleotide variant.
Coding change: c.7177C>G on transcript NM_001458.5 (MANE Select); coding-DNA position 7177, C replaced by G.
Protein change: p.Pro2393Ala; replaces proline 2393 with alanine.
Molecular consequence: missense variant.
Genome position (GRCh38, 1-based): chr7:128,855,240, C>G. VCF-style: chr7-128855240-C-G. GRCh37 (hg19) VCF-style: chr7-128495294-C-G.
Other names: c.7078C>G, p.Pro2360Ala (NM_001127487.2); short protein forms P2393A, P2360A.
Identifiers: ClinVar variation 539394 (VCV000539394.9), dbSNP rs1554401559, ClinGen allele CA369215708.
Genomic context (GRCh38, chr7:128,855,240, plus strand): 5'-GACTGGTCTCTCTCCCCAGGTGACTATGAGGTCTCCATCAAGTTCAATGATGAGCACATC[C>G]CAGACAGCCCCTTTGTGGTGCCTGTGGCCTCCCTCTCGGATGACGCTCGCCGTCTCACTG-3'
Protein context (NP_001449.3, residues 2383-2403): VSIKFNDEHI[Pro2393Ala]DSPFVVPVAS

ClinVar aggregate classification (germline): Uncertain significance (1 of 4 stars; one submission).

Conditions:
Distal myopathy with posterior leg and anterior hand involvement. Also called: WILLIAMS DISTAL MYOPATHY. Identifiers: Orphanet 63273, MedGen C3279722, MONDO:0013550, OMIM 614065.
Myofibrillar myopathy 5. Also called: Filaminopathy (type); FILAMINOPATHY, AUTOSOMAL DOMINANT. Identifiers: Orphanet 171445, MedGen C1836050, MONDO:0012289, OMIM 609524.
Hypertrophic cardiomyopathy 26. Also called: Cardiomyopathy, familial hypertrophic, 26. Identifiers: Orphanet 75249, MedGen C4310749, MONDO:0014883, OMIM 617047.

Allele frequency attached by ClinVar (database versions not stated): gnomAD exomes below 0.00001.
gnomAD v4.1: 1 of 1,613,796 alleles (0.000062%); highest among the groups gnomAD compares: Non-Finnish European, 0.000085%; no homozygotes.

Submission:

Labcorp Genetics (formerly Invitae), Labcorp
Classification: Uncertain significance for Distal myopathy with posterior leg and anterior hand involvement; Myofibrillar myopathy 5; Hypertrophic cardiomyopathy 26. Last evaluated: 2017-10-24. Review status: criteria provided, single submitter. Criteria: Invitae Variant Classification Sherloc (09022015). Collection method: clinical testing. Allele origin: germline.
Comment: In summary, the available evidence is currently insufficient to determine the role of this variant in disease. Therefore, it has been classified as a Variant of Uncertain Significance. Algorithms developed to predict the effect of missense changes on protein structure and function (SIFT, PolyPhen-2, Align-GVGD) all suggest that this variant is likely to be disruptive, but these predictions have not been confirmed by published functional studies and their clinical significance is uncertain. This sequence change replaces proline with alanine at codon 2393 of the FLNC protein (p.Pro2393Ala). The proline residue is highly conserved and there is a small physicochemical difference between proline and alanine. This variant has not been reported in the literature in individuals with FLNC-related disease. This variant is not present in population databases (ExAC no frequency).